The following is an entry in ClinVar:

ClinVar aggregate classification (germline): Uncertain significance (1 of 4 stars; one submission).

gnomAD v4.1: 1 of 1,549,556 alleles (0.000065%); no homozygotes.

Submission:

Labcorp Genetics (formerly Invitae), Labcorp
Classification: Uncertain significance. Last evaluated: 2024-06-21. Review status: criteria provided, single submitter. Criteria: Invitae Variant Classification Sherloc (09022015). Collection method: clinical testing. Allele origin: germline.
Comment: This sequence change replaces glycine, which is neutral and non-polar, with arginine, which is basic and polar, at codon 1140 of the PIEZO1 protein (p.Gly1140Arg). This variant is not present in population databases (gnomAD no frequency). This variant has not been reported in the literature in individuals affected with PIEZO1-related conditions. Advanced modeling of protein sequence and biophysical properties (such as structural, functional, and spatial information, amino acid conservation, physicochemical variation, residue mobility, and thermodynamic stability) performed at Invitae indicates that this missense variant is not expected to disrupt PIEZO1 protein function with a negative predictive value of 80%. In summary, the available evidence is currently insufficient to determine the role of this variant in disease. Therefore, it has been classified as a Variant of Uncertain Significance.

NM_001142864.4(PIEZO1):c.3418G>A (p.Gly1140Arg)

Gene: PIEZO1 (piezo type mechanosensitive ion channel component 1 (Er blood group); minus strand). Cytogenetic location: 16q24.3.
Variant type: single nucleotide variant.
Coding change: c.3418G>A on transcript NM_001142864.4 (MANE Select); coding-DNA position 3418, G replaced by A.
Protein change: p.Gly1140Arg; replaces glycine 1140 with arginine.
Molecular consequence: missense variant.
Genome position (GRCh38, 1-based): chr16:88,727,076, C>T on the plus strand (G>A on the coding strand, the complement: PIEZO1 is on the minus strand). VCF-style: chr16-88727076-C-T. GRCh37 (hg19) VCF-style: chr16-88793484-C-T.
Other names: short protein forms G1140R.
Identifiers: ClinVar variation 3685751 (VCV003685751.2).
Genomic context (GRCh38, chr16:88,727,076, plus strand): 5'-GTGGAGGGTGACGTGGAACCCACCTGCAGTGGATAAAGTTGGGCACGGGGTTGGGCTCCC[C>T]CCGCAGCGGCTCCAGGCGGTCGGTGTTGACGCCAGCCATGCGCTGCCACTCCTCTGTGCG-3'
Protein context (NP_001136336.2, residues 1130-1150): VNTDRLEPLR[Gly1140Arg]EPNPVPNFIH